The following is an entry in ClinVar:

NM_000070.3(CAPN3):c.982T>C (p.Cys328Arg)

Gene: CAPN3 (calpain 3; plus strand). Cytogenetic location: 15q15.1.
Variant type: single nucleotide variant.
Coding change: c.982T>C on transcript NM_000070.3 (MANE Select); coding-DNA position 982, T replaced by C.
Protein change: p.Cys328Arg; replaces cysteine 328 with arginine.
Molecular consequence: missense variant.
Genome position (GRCh38, 1-based): chr15:42,392,675, T>C. VCF-style: chr15-42392675-T-C. GRCh37 (hg19) VCF-style: chr15-42684873-T-C.
Other names: c.982T>C, p.Cys328Arg (NM_024344.2); c.838T>C, p.Cys280Arg (NM_173087.2); c.721T>C, p.Cys241Arg (NM_212464.2); c.*675T>C (NM_212467.2); short protein forms C241R, C280R, C328R.
Identifiers: ClinVar variation 2144687 (VCV002144687.4), dbSNP rs767217634, ClinGen allele CA7511208.
Genomic context (GRCh38, chr15:42,392,675, plus strand): 5'-GGTTCTCTGGTTACTGCTCTACAGACAATCATTCCGGTTCAGTATGAGACAAGAATGGCC[T>C]GCGGGCTGGTCAGAGGTCACGCCTACTCTGTCACGGGGCTGGATGAGGTAAGCCTGGTGG-3'
Protein context (NP_000061.1, residues 318-338): IPVQYETRMA[Cys328Arg]GLVRGHAYSV

ClinVar aggregate classification (germline): Uncertain significance (1 of 4 stars; one submission).

Conditions:
Autosomal recessive limb-girdle muscular dystrophy type 2A (LGMDR1). Also called: Limb-girdle muscular dystrophy, type 2A; Calpainopathy; LEYDEN-MOEBIUS MUSCULAR DYSTROPHY; MUSCULAR DYSTROPHY, PELVOFEMORAL; Muscular dystrophy, limb-girdle, type 2A, Amish. Identifiers: Orphanet 267, MedGen C1869123, MONDO:0009675, OMIM 253600. Disease mechanism: loss of function.

Allele frequency attached by ClinVar (database versions not stated): gnomAD exomes 0.00001; ExAC 0.00002.

Submission:

Labcorp Genetics (formerly Invitae), Labcorp
Classification: Uncertain significance for Autosomal recessive limb-girdle muscular dystrophy type 2A. Last evaluated: 2022-02-06. Review status: criteria provided, single submitter. Criteria: Invitae Variant Classification Sherloc (09022015). Collection method: clinical testing. Allele origin: germline.
Comment: Algorithms developed to predict the effect of missense changes on protein structure and function are either unavailable or do not agree on the potential impact of this missense change (SIFT: "Deleterious"; PolyPhen-2: "Benign"; Align-GVGD: "Class C0"). This variant has not been reported in the literature in individuals affected with CAPN3-related conditions. This variant is present in population databases (rs767217634, gnomAD 0.002%). This sequence change replaces cysteine, which is neutral and slightly polar, with arginine, which is basic and polar, at codon 328 of the CAPN3 protein (p.Cys328Arg). In summary, the available evidence is currently insufficient to determine the role of this variant in disease. Therefore, it has been classified as a Variant of Uncertain Significance.